The following is an entry in ClinVar:

ClinVar aggregate classification (germline): Uncertain significance. Review status: criteria provided, multiple submitters, no conflicts (2 of 4 stars). 2 submissions from 2 submitters: Uncertain significance (2). Last evaluated 2025-09-11.

Allele frequency attached by ClinVar (database versions not stated): gnomAD exomes below 0.00001; TOPMed 0.00001.
gnomAD v4.1: 1 of 1,550,522 alleles (0.000064%); highest among the groups gnomAD compares: Non-Finnish European, 0.000087%; no homozygotes.

Submissions (2):

Women's Health and Genetics/Laboratory Corporation of America, LabCorp
Classification: Uncertain significance. Last evaluated: 2025-09-11. Review status: criteria provided, single submitter. Criteria: LabCorp Variant Classification Summary - May 2015. Collection method: clinical testing. Allele origin: germline.
Comment: Variant summary: SETD1B c.1067C>T (p.Ala356Val) results in a non-conservative amino acid change in the encoded protein sequence. Algorithms developed to predict the effect of missense changes on protein structure and function are either unavailable or do not agree on the potential impact of this missense change. The frequency data for this variant in gnomAD is considered unreliable, as metrics indicate poor data quality at this position. To our knowledge, no occurrence of c.1067C>T in individuals affected with SETD1B-related conditions and no experimental evidence demonstrating its impact on protein function have been reported. ClinVar contains an entry for this variant (Variation ID: 1678677). Based on the evidence outlined above, the variant was classified as uncertain significance.

GeneDx
Classification: Uncertain significance. Last evaluated: 2021-10-15. Review status: criteria provided, single submitter. Criteria: GeneDx Variant Classification Process June 2021. Collection method: clinical testing. Allele origin: germline. Affected: yes.
Comment: In silico analysis supports that this missense variant does not alter protein structure/function; Has not been previously published as pathogenic or benign to our knowledge

NM_001353345.2(SETD1B):c.1067C>T (p.Ala356Val)

Gene: SETD1B (SET domain containing 1B, histone lysine methyltransferase; plus strand). Cytogenetic location: 12q24.31.
Variant type: single nucleotide variant.
Coding change: c.1067C>T on transcript NM_001353345.2 (MANE Select); coding-DNA position 1067, C replaced by T.
Protein change: p.Ala356Val; replaces alanine 356 with valine.
Molecular consequence: missense variant.
Genome position (GRCh38, 1-based): chr12:121,810,012, C>T. VCF-style: chr12-121810012-C-T. GRCh37 (hg19) VCF-style: chr12-122247918-C-T.
Other names: short protein forms A356V.
Identifiers: ClinVar variation 1678677 (VCV001678677.3), dbSNP rs1379773028, ClinGen allele CA386990803.